The following is an entry in ClinVar:

NM_032776.3(JMJD1C):c.3869A>G (p.His1290Arg)

Gene: JMJD1C (jumonji domain containing 1C; minus strand). Cytogenetic location: 10q21.3.
Variant type: single nucleotide variant.
Coding change: c.3869A>G on transcript NM_032776.3 (MANE Select); coding-DNA position 3869, A replaced by G.
Protein change: p.His1290Arg; replaces histidine 1290 with arginine.
Molecular consequence: missense variant. On other transcripts: non-coding transcript variant (1).
Genome position (GRCh38, 1-based): chr10:63,207,800, T>C on the plus strand (A>G on the coding strand, the complement: JMJD1C is on the minus strand). VCF-style: chr10-63207800-T-C. GRCh37 (hg19) VCF-style: chr10-64967560-T-C.
Other names: c.3323A>G, p.His1108Arg (NM_001282948.2, NM_001318154.2); c.3005A>G, p.His1002Arg (NM_001318153.2); c.3755A>G, p.His1252Arg (NM_001322252.2); c.3212A>G, p.His1071Arg (NM_001322254.2, NM_001322258.2); short protein forms H1290R, H1002R, H1252R, H1071R, H1108R.
Identifiers: ClinVar variation 859645 (VCV000859645.9), dbSNP rs1318617288, ClinGen allele CA377039906.

ClinVar aggregate classification (germline): Uncertain significance (1 of 4 stars; one submission).

Conditions:
Early Myoclonic Encephalopathy. Identifiers: MedGen C0270855.

Allele frequency attached by ClinVar (database versions not stated): gnomAD exomes below 0.00001 and 0.00001; TOPMed below 0.00001; gnomAD 0.00001.
gnomAD v4.1: 5 of 1,614,080 alleles (0.00031%); highest among the groups gnomAD compares: Admixed American, 0.005%; no homozygotes.

Submission:

Labcorp Genetics (formerly Invitae), Labcorp
Classification: Uncertain significance for Early Myoclonic Encephalopathy. Last evaluated: 2024-03-01. Review status: criteria provided, single submitter. Criteria: Invitae Variant Classification Sherloc (09022015). Collection method: clinical testing. Allele origin: germline.
Comment: This sequence change replaces histidine, which is basic and polar, with arginine, which is basic and polar, at codon 1290 of the JMJD1C protein (p.His1290Arg). This variant is present in population databases (no rsID available, gnomAD 0.006%). This variant has not been reported in the literature in individuals affected with JMJD1C-related conditions. ClinVar contains an entry for this variant (Variation ID: 859645). Advanced modeling of protein sequence and biophysical properties (such as structural, functional, and spatial information, amino acid conservation, physicochemical variation, residue mobility, and thermodynamic stability) performed at Invitae indicates that this missense variant is not expected to disrupt JMJD1C protein function with a negative predictive value of 80%. In summary, the available evidence is currently insufficient to determine the role of this variant in disease. Therefore, it has been classified as a Variant of Uncertain Significance.